The following is an entry in ClinVar:

ClinVar aggregate classification (germline): Uncertain significance (1 of 4 stars; one submission).

Conditions:
Intellectual developmental disorder, X-linked 103. Also called: Intellectual disability, X-linked 103. Identifiers: MedGen C4310818, MONDO:0010508, OMIM 300982.

Submission:

MVZ Medizinische Genetik Mainz
Classification: Uncertain significance for Intellectual developmental disorder, X-linked 103. Last evaluated: 2023-07-18. Review status: criteria provided, single submitter. Criteria: UK Practice Guidelines For Variant Classification V4 01 2020. Collection method: clinical testing. Allele origin: germline. Inheritance: X-linked dominant inheritance. Affected: yes. Observed: 1 variant allele.
Comment: ACMG Criteria: PVS1_STR,PM2_SUP

NM_030624.3(KLHL15):c.1493_1494del (p.Val498fs)

Gene: KLHL15 (kelch like family member 15; minus strand). Cytogenetic location: Xp22.11.
Variant type: Microsatellite.
Coding change: c.1493_1494del on transcript NM_030624.3 (MANE Select); coding-DNA positions 1493 to 1494, 2 bases deleted (TG; older notation c.1493_1494delTG).
Protein change: p.Val498fs; shifts the reading frame from valine 498.
Molecular consequence: frameshift variant.
Genome position (GRCh38, 1-based): chrX:23,988,242-23,988,243, CA deleted on the plus strand (TG on the coding strand, the reverse complement: KLHL15 is on the minus strand); deleting any 2 consecutive bases within chrX:23,988,242-23,988,247 gives the same sequence; the c. name uses the placement nearest the transcript's 3' end. VCF-style (leftmost placement, unchanged base first): chrX-23988241-TCA-T. GRCh37 (hg19) VCF-style: chrX-24006358-TCA-T.
Other names: short protein forms V498fs.
Identifiers: ClinVar variation 3066102 (VCV003066102.1), dbSNP rs2518903866, ClinGen allele CA2579574014.
Genomic context (GRCh38, chrX:23,988,241, plus strand): 5'-TCTCTGGGTTGTATACTTCTGTAGAAGGGCATCCCTGAGATTCGAAAGAGGCCCTCAAGA[TCA>T]CACAGACACCACCGAAGACATAAAGCTTGCCATTGTAAGAAATCATCTTGTGAAAGCATC-3'